The following is an entry in ClinVar:

NM_144687.4(NLRP12):c.2120C>T (p.Ala707Val)

Gene: NLRP12 (NLR family pyrin domain containing 12; minus strand). Cytogenetic location: 19q13.42.
Variant type: single nucleotide variant.
Coding change: c.2120C>T on transcript NM_144687.4 (MANE Select); coding-DNA position 2120, C replaced by T.
Protein change: p.Ala707Val; replaces alanine 707 with valine.
Molecular consequence: missense variant.
Genome position (GRCh38, 1-based): chr19:53,807,618, G>A on the plus strand (C>T on the coding strand, the complement: NLRP12 is on the minus strand). VCF-style: chr19-53807618-G-A. GRCh37 (hg19) VCF-style: chr19-54310872-G-A.
Other names: c.2120C>T (NM_144687.2); c.2123C>T, p.Ala708Val (NM_001277126.2); c.2120C>T, p.Ala707Val (NM_001277129.1); short protein forms A707V, A708V.
Identifiers: ClinVar variation 894557 (VCV000894557.48), dbSNP rs202169378, ClinGen allele CA9639221.

ClinVar aggregate classification (germline): Conflicting classifications of pathogenicity. Review status: criteria provided, conflicting classifications (1 of 4 stars). 4 submissions from 4 submitters: Uncertain significance (3); Likely benign (1). Last evaluated 2024-09-10.

Conditions:
Inborn genetic diseases. Identifiers: MedGen C0950123, MeSH D030342.
Familial cold autoinflammatory syndrome 2 (FCAS2). Identifiers: Orphanet 247868, MedGen C2673198, MONDO:0012724, OMIM 611762.

Allele frequency attached by ClinVar (database versions not stated): gnomAD 0.00001 and 0.00002; TOPMed 0.00002; gnomAD exomes 0.00003 and 0.00004; ExAC 0.00002; ESP Exome Variant Server 0.00008.
gnomAD v4.1: 42 of 1,614,018 alleles (0.0026%); highest among the groups gnomAD compares: African/African-American, 0.0053%; no homozygotes.

Submissions (4):

Labcorp Genetics (formerly Invitae), Labcorp
Classification: Uncertain significance for Familial cold autoinflammatory syndrome 2. Last evaluated: 2024-09-10. Review status: criteria provided, single submitter. Criteria: Invitae Variant Classification Sherloc (09022015). Collection method: clinical testing. Allele origin: germline.
Comment: This sequence change replaces alanine, which is neutral and non-polar, with valine, which is neutral and non-polar, at codon 707 of the NLRP12 protein (p.Ala707Val). This variant is present in population databases (rs202169378, gnomAD 0.007%). This variant has not been reported in the literature in individuals affected with NLRP12-related conditions. ClinVar contains an entry for this variant (Variation ID: 894557). An algorithm developed to predict the effect of missense changes on protein structure and function outputs the following: PolyPhen-2: "Benign". The valine amino acid residue is found in multiple mammalian species, which suggests that this missense change does not adversely affect protein function. In summary, the available evidence is currently insufficient to determine the role of this variant in disease. Therefore, it has been classified as a Variant of Uncertain Significance.

Ambry Genetics
Classification: Uncertain significance for Inborn genetic diseases. Last evaluated: 2022-01-27. Review status: criteria provided, single submitter. Criteria: Ambry Variant Classification Scheme 2023. Collection method: clinical testing. Allele origin: germline.

CeGaT Center for Human Genetics Tuebingen
Classification: Uncertain significance. Last evaluated: 2020-12-01. Review status: criteria provided, single submitter. Criteria: CeGaT Center For Human Genetics Tuebingen Variant Classification Criteria Version 2. Collection method: clinical testing. Allele origin: germline. Affected: yes. Observed: 3 variant alleles.

Illumina Laboratory Services, Illumina
Classification: Likely benign for Familial cold autoinflammatory syndrome 2. Last evaluated: 2018-01-13. Review status: criteria provided, single submitter. Criteria: ICSL Variant Classification Criteria 13 December 2019. Collection method: clinical testing. Allele origin: germline.
Comment: This variant was observed in the ICSL laboratory as part of a predisposition screen in an ostensibly healthy population. It had not been previously curated by ICSL or reported in the Human Gene Mutation Database (HGMD: prior to June 1st, 2018), and was therefore a candidate for classification through an automated scoring system. Utilizing variant allele frequency, disease prevalence and penetrance estimates, and inheritance mode, an automated score was calculated to assess if this variant is too frequent to cause the disease. Based on the score and internal cut-off values, a variant classified as likely benign is not then subjected to further curation. The score for this variant resulted in a classification of likely benign for this disease.